The following is an entry in ClinVar:

NM_001291867.2(NHS):c.2831A>T (p.His944Leu)

Gene: NHS (NHS actin remodeling regulator; plus strand). Cytogenetic location: Xp22.13.
Variant type: single nucleotide variant.
Coding change: c.2831A>T on transcript NM_001291867.2 (MANE Select); coding-DNA position 2831, A replaced by T.
Protein change: p.His944Leu; replaces histidine 944 with leucine.
Molecular consequence: missense variant.
Genome position (GRCh38, 1-based): chrX:17,726,937, A>T. VCF-style: chrX-17726937-A-T. GRCh37 (hg19) VCF-style: chrX-17745057-A-T.
Other names: c.2300A>T, p.His767Leu (NM_001136024.4); c.2237A>T, p.His746Leu (NM_001291868.2); c.2768A>T, p.His923Leu (NM_198270.4); short protein forms H923L, H767L, H944L, H746L.
Identifiers: ClinVar variation 129773 (VCV000129773.24), dbSNP rs149244552, ClinGen allele CA154063.

ClinVar aggregate classification (germline): Benign. Review status: criteria provided, multiple submitters, no conflicts (2 of 4 stars). 6 submissions from 6 submitters: Benign (6). Last evaluated 2026-02-01.

Conditions:
Inborn genetic diseases. Identifiers: MedGen C0950123, MeSH D030342.
Nance-Horan syndrome (NHS). Identifiers: Orphanet 627, MedGen C0796085, MONDO:0010545, OMIM 302350.

Allele frequency attached by ClinVar (database versions not stated): ESP Exome Variant Server 0.00057; gnomAD exomes 0.00904 and 0.00220; 1000 Genomes Project 30x 0.00978; gnomAD 0.00386 and 0.00414; 1000 Genomes Project 0.00927; ExAC 0.00670; TOPMed 0.00724.
gnomAD v4.1: 2,876 of 1,210,476 alleles (0.24%); highest among the groups gnomAD compares: Admixed American, 5.1%; 58 homozygotes.

Submissions (6):

Labcorp Genetics (formerly Invitae), Labcorp
Classification: Benign for Nance-Horan syndrome. Last evaluated: 2026-02-01. Review status: criteria provided, single submitter. Criteria: Invitae Variant Classification Sherloc (09022015). Collection method: clinical testing. Allele origin: germline.

GeneDx
Classification: Benign. Last evaluated: 2018-05-10. Review status: criteria provided, single submitter. Criteria: GeneDx Variant Classification (06012015). Collection method: clinical testing. Allele origin: germline. Affected: yes.
Comment: This variant is considered likely benign or benign based on one or more of the following criteria: it is a conservative change, it occurs at a poorly conserved position in the protein, it is predicted to be benign by multiple in silico algorithms, and/or has population frequency not consistent with disease.

Genetic Services Laboratory, University of Chicago
Classification: Benign. Last evaluated: 2015-11-06. Review status: criteria provided, single submitter. Criteria: ACMG Guidelines, 2015. Collection method: clinical testing. Allele origin: germline. Affected: no.

Ambry Genetics
Classification: Benign for Inborn genetic diseases. Last evaluated: 2015-08-14. Review status: criteria provided, single submitter. Criteria: Ambry Variant Classification Scheme 2023. Collection method: clinical testing. Allele origin: germline.

Eurofins Ntd Llc (ga)
Classification: Benign. Last evaluated: 2014-01-15. Review status: criteria provided, single submitter. Criteria: EGL Classification Definitions 2015. Collection method: clinical testing. Allele origin: germline. Observed: 2 variant alleles, 1 homozygote, 1 hemizygote.

Breakthrough Genomics
Classification: Benign. Review status: criteria provided, single submitter. Criteria: ACMG Guidelines, 2015. Collection method: not provided. Allele origin: germline. Inheritance: X-linked inheritance. Affected: yes.